The following is an entry in ClinVar:

NM_198578.4(LRRK2):c.7270G>T (p.Ala2424Ser)

Gene: LRRK2 (leucine rich repeat kinase 2; plus strand). Cytogenetic location: 12q12.
Variant type: single nucleotide variant.
Coding change: c.7270G>T on transcript NM_198578.4 (MANE Select); coding-DNA position 7270, G replaced by T.
Protein change: p.Ala2424Ser; replaces alanine 2424 with serine.
Molecular consequence: missense variant.
Genome position (GRCh38, 1-based): chr12:40,364,930, G>T. VCF-style: chr12-40364930-G-T. GRCh37 (hg19) VCF-style: chr12-40758732-G-T.
Other names: short protein forms A2424S.
Identifiers: ClinVar variation 1758017 (VCV001758017.2), dbSNP rs780199747, ClinGen allele CA235360527.

ClinVar aggregate classification (germline): Uncertain significance (1 of 4 stars; one submission).

Conditions:
Inborn genetic diseases. Identifiers: MedGen C0950123, MeSH D030342.

Allele frequency attached by ClinVar (database versions not stated): TOPMed below 0.00001; gnomAD 0.00001.
gnomAD v4.1: 1 of 1,612,456 alleles (0.000062%); highest among the groups gnomAD compares: Non-Finnish European, 0.000085%; no homozygotes.

Submission:

Ambry Genetics
Classification: Uncertain significance for Inborn genetic diseases. Last evaluated: 2021-09-30. Review status: criteria provided, single submitter. Criteria: Ambry Variant Classification Scheme 2023. Collection method: clinical testing. Allele origin: germline.
Comment: The p.A2424S variant (also known as c.7270G>T), located in coding exon 49 of the LRRK2 gene, results from a G to T substitution at nucleotide position 7270. The alanine at codon 2424 is replaced by serine, an amino acid with similar properties. This amino acid position is conserved. In addition, the in silico prediction for this alteration is inconclusive. Since supporting evidence is limited at this time, the clinical significance of this alteration remains unclear.